The following is an entry in ClinVar:

ClinVar aggregate classification (germline): Uncertain significance (1 of 4 stars; one submission).

Conditions:
Fabry disease. Also called: Fabry's disease; ALPHA-GALACTOSIDASE A DEFICIENCY; ANDERSON-FABRY DISEASE; CERAMIDE TRIHEXOSIDASE DEFICIENCY; GLA DEFICIENCY; HEREDITARY DYSTOPIC LIPIDOSIS. Identifiers: Orphanet 324, MedGen C0002986, MONDO:0010526, OMIM 301500, HP:0001071. Disease mechanism: Fabry disease is due to inactivating mutations in the X-linked GLA gene resulting in deficiency of the enzyme Alpha Galactosidase-A., loss of function.

Submission:

Labcorp Genetics (formerly Invitae), Labcorp
Classification: Uncertain significance for Fabry disease. Last evaluated: 2022-05-08. Review status: criteria provided, single submitter. Criteria: Invitae Variant Classification Sherloc (09022015). Collection method: clinical testing. Allele origin: germline.
Comment: In summary, the available evidence is currently insufficient to determine the role of this variant in disease. Therefore, it has been classified as a Variant of Uncertain Significance. Algorithms developed to predict the effect of missense changes on protein structure and function (SIFT, PolyPhen-2, Align-GVGD) all suggest that this variant is likely to be disruptive. This variant has not been reported in the literature in individuals affected with GLA-related conditions. This variant is not present in population databases (gnomAD no frequency). This sequence change replaces proline, which is neutral and non-polar, with arginine, which is basic and polar, at codon 110 of the GLA protein (p.Pro110Arg).

NM_000169.3(GLA):c.329C>G (p.Pro110Arg)

Genes: GLA (galactosidase alpha; minus strand), RPL36A-HNRNPH2 (RPL36A-HNRNPH2 readthrough; plus strand). Cytogenetic location: Xq22.1.
Variant type: single nucleotide variant.
Coding change: c.329C>G on transcript NM_000169.3 (MANE Select); coding-DNA position 329, C replaced by G.
Protein change: p.Pro110Arg; replaces proline 110 with arginine.
Molecular consequence: missense variant. On other transcripts: non-coding transcript variant (3), intron variant (2).
Genome position (GRCh38, 1-based): chrX:101,403,851, G>C on the plus strand (C>G on the coding strand, the complement: GLA is on the minus strand). VCF-style: chrX-101403851-G-C. GRCh37 (hg19) VCF-style: chrX-100658839-G-C.
Other names: c.301-8085G>C (NM_001199973.2); c.178-8085G>C (NM_001199974.2); c.452C>G, p.Pro151Arg (NM_001406747.1, NM_001406749.1); c.329C>G, p.Pro110Arg (NM_001406748.1); short protein forms P151R, P110R.
Identifiers: ClinVar variation 2111753 (VCV002111753.4), dbSNP rs2520912656, ClinGen allele CA413933148.
Genomic context (GRCh38, chrX:101,403,851, plus strand): 5'-AACATTATCTATAAACTCACATAATTAGCTAGCTGGCGAATCCCATGAGGAAAGCGCTGA[G>C]GGTCTGCCTGAAGTCTGCCTTCTGAATCTCTTTGGGGAGCCATCCAACAGTCATCAATGC-3'
Protein context (NP_000160.1, residues 100-120): RDSEGRLQAD[Pro110Arg]QRFPHGIRQL